The following is an entry in ClinVar:

NM_052867.4(NALCN):c.1186G>A (p.Val396Met)

Genes: NALCN (sodium leak channel, non-selective; minus strand), LOC126861831 (P300/CBP strongly-dependent group 1 enhancer GRCh37_chr13:101909917-101911116; plus strand). Cytogenetic location: 13q33.1.
Variant type: single nucleotide variant.
Coding change: c.1186G>A on transcript NM_052867.4 (MANE Select); coding-DNA position 1186, G replaced by A.
Protein change: p.Val396Met; replaces valine 396 with methionine.
Molecular consequence: missense variant.
Genome position (GRCh38, 1-based): chr13:101,258,523, C>T on the plus strand (G>A on the coding strand, the complement: NALCN is on the minus strand). VCF-style: chr13-101258523-C-T. GRCh37 (hg19) VCF-style: chr13-101910874-C-T.
Other names: c.1186G>A, p.Val396Met (NM_001350748.2, NM_001350749.2); c.1099G>A, p.Val367Met (NM_001350750.2, NM_001350751.2); short protein forms V396M, V367M.
Identifiers: ClinVar variation 2202996 (VCV002202996.4), dbSNP rs746103824, ClinGen allele CA7036276.

ClinVar aggregate classification (germline): Uncertain significance (1 of 4 stars; one submission).

Allele frequency attached by ClinVar (database versions not stated): gnomAD exomes below 0.00001; ExAC 0.00001.
gnomAD v4.1: 5 of 1,614,168 alleles (0.00031%); highest among the groups gnomAD compares: Admixed American, 0.0067%; no homozygotes.

Submission:

Labcorp Genetics (formerly Invitae), Labcorp
Classification: Uncertain significance. Last evaluated: 2024-05-15. Review status: criteria provided, single submitter. Criteria: Invitae Variant Classification Sherloc (09022015). Collection method: clinical testing. Allele origin: germline.
Comment: This sequence change replaces valine, which is neutral and non-polar, with methionine, which is neutral and non-polar, at codon 396 of the NALCN protein (p.Val396Met). This variant is present in population databases (rs746103824, gnomAD 0.009%). This missense change has been observed in individual(s) with clinical features of NALCN-related conditions (PMID: 31785789). ClinVar contains an entry for this variant (Variation ID: 2202996). Advanced modeling of protein sequence and biophysical properties (such as structural, functional, and spatial information, amino acid conservation, physicochemical variation, residue mobility, and thermodynamic stability) performed at Invitae indicates that this missense variant is not expected to disrupt NALCN protein function with a negative predictive value of 80%. In summary, the available evidence is currently insufficient to determine the role of this variant in disease. Therefore, it has been classified as a Variant of Uncertain Significance.

Literature cited by the submitters: PubMed 31785789.